The following is an entry in ClinVar:

ClinVar aggregate classification (germline): Uncertain significance. Review status: criteria provided, multiple submitters, no conflicts (2 of 4 stars). 3 submissions from 3 submitters: Uncertain significance (3). Last evaluated 2025-04-03.

Conditions:
Inborn genetic diseases. Identifiers: MedGen C0950123, MeSH D030342.
Spastic paraplegia. Identifiers: MedGen C0037772, HP:0001258.

Allele frequency attached by ClinVar (database versions not stated): 1000 Genomes Project 0.00020; gnomAD exomes 0.00002 and 0.00001; ESP Exome Variant Server 0.00008; gnomAD 0.00013 and 0.00014; ExAC 0.00004; TOPMed 0.00011; 1000 Genomes Project 30x 0.00016.
gnomAD v4.1: 35 of 1,613,260 alleles (0.0022%); highest among the groups gnomAD compares: African/African-American, 0.041%; no homozygotes.

Submissions (3):

Ambry Genetics
Classification: Uncertain significance for Inborn genetic diseases. Last evaluated: 2025-04-03. Review status: criteria provided, single submitter. Criteria: Ambry Variant Classification Scheme 2023. Collection method: clinical testing. Allele origin: germline.

Labcorp Genetics (formerly Invitae), Labcorp
Classification: Uncertain significance for Spastic paraplegia. Last evaluated: 2024-03-04. Review status: criteria provided, single submitter. Criteria: Invitae Variant Classification Sherloc (09022015). Collection method: clinical testing. Allele origin: germline.
Comment: This sequence change replaces leucine, which is neutral and non-polar, with phenylalanine, which is neutral and non-polar, at codon 1268 of the ZFYVE26 protein (p.Leu1268Phe). This variant is present in population databases (rs202021708, gnomAD 0.05%). This variant has not been reported in the literature in individuals affected with ZFYVE26-related conditions. ClinVar contains an entry for this variant (Variation ID: 994511). An algorithm developed to predict the effect of missense changes on protein structure and function (PolyPhen-2) suggests that this variant¬†is likely to be tolerated. In summary, the available evidence is currently insufficient to determine the role of this variant in disease. Therefore, it has been classified as a Variant of Uncertain Significance.

Athena Diagnostics
Classification: Uncertain significance. Last evaluated: 2020-06-10. Review status: criteria provided, single submitter. Criteria: Athena Diagnostics Criteria. Collection method: clinical testing. Allele origin: unknown.

NM_015346.4(ZFYVE26):c.3802C>T (p.Leu1268Phe)

Gene: ZFYVE26 (zinc finger FYVE-type containing 26; minus strand). Cytogenetic location: 14q24.1.
Variant type: single nucleotide variant.
Coding change: c.3802C>T on transcript NM_015346.4 (MANE Select); coding-DNA position 3802, C replaced by T.
Protein change: p.Leu1268Phe; replaces leucine 1268 with phenylalanine.
Molecular consequence: missense variant.
Genome position (GRCh38, 1-based): chr14:67,783,350, G>A on the plus strand (C>T on the coding strand, the complement: ZFYVE26 is on the minus strand). VCF-style: chr14-67783350-G-A. GRCh37 (hg19) VCF-style: chr14-68250067-G-A.
Other names: short protein forms L1268F.
Identifiers: ClinVar variation 994511 (VCV000994511.8), dbSNP rs202021708, ClinGen allele CA7239902.